The following is an entry in ClinVar:

NM_003331.5(TYK2):c.1197CAA[1] (p.Asn400del)

Gene: TYK2 (tyrosine kinase 2; minus strand). Cytogenetic location: 19p13.2.
Variant type: Microsatellite.
Coding change: c.1197CAA[1] on transcript NM_003331.5 (MANE Select); one copy of the 3-base unit CAA starting at c.1197; the reference has two copies in a row; one copy, 3 bases deleted; also written c.1200_1202del.
Protein change: p.Asn400del; deletes asparagine 400.
Molecular consequence: intron variant (on NM_001385201.1).
Genome position (GRCh38, 1-based): chr19:10,364,858-10,364,860, TTG deleted on the plus strand (CAA on the coding strand, the reverse complement: TYK2 is on the minus strand); deleting any 3 consecutive bases within chr19:10,364,858-10,364,864 gives the same sequence; the position shown is the placement nearest the transcript's 3' end. VCF-style (leftmost placement, unchanged base first): chr19-10364857-CTTG-C. GRCh37 (hg19) VCF-style: chr19-10475533-CTTG-C.
Other names: p.Asn400del; c.1197CAA[1], p.Asn400del (NM_001385197.1, NM_001385198.1, NM_001385199.1 and 7 more transcripts); c.1107CAA[1], p.Asn370del (NM_001385205.1); c.1012-89_1012-87del (NM_001385201.1); c.1200_1202del (NM_003331.5); short protein forms N370del, N400del.
Identifiers: ClinVar variation 3380577 (VCV003380577.1).

ClinVar aggregate classification (germline): Uncertain significance (1 of 4 stars; one submission).

Submission:

Mayo Clinic Laboratories, Mayo Clinic
Classification: Uncertain significance. Last evaluated: 2024-09-10. Review status: criteria provided, single submitter. Criteria: ACMG Guidelines, 2015. Collection method: clinical testing. Allele origin: germline. Observed: 1 variant allele.
Comment: PM2, PM4